The following is an entry in ClinVar:

NM_004186.5(SEMA3F):c.623A>C (p.Asp208Ala)

Gene: SEMA3F (semaphorin 3F; plus strand). Cytogenetic location: 3p21.31.
Variant type: single nucleotide variant.
Coding change: c.623A>C on transcript NM_004186.5 (MANE Select); coding-DNA position 623, A replaced by C.
Protein change: p.Asp208Ala; replaces aspartic acid 208 with alanine.
Molecular consequence: missense variant.
Genome position (GRCh38, 1-based): chr3:50,176,841, A>C. VCF-style: chr3-50176841-A-C. GRCh37 (hg19) VCF-style: chr3-50214274-A-C.
Other names: c.326A>C, p.Asp109Ala (NM_001318798.2); c.530A>C, p.Asp177Ala (NM_001318800.2); short protein forms D109A, D177A, D208A.
Identifiers: ClinVar variation 3353542 (VCV003353542.1).
Genomic context (GRCh38, chr3:50,176,841, plus strand): 5'-ACCTGGAGCCTGAGCGACTCGAGTCAGGGAAGGGCAAGTGTCCGTACGATCCCAAGCTGG[A>C]CACAGCATCGGCCCTCATCAGTGAGTGCCCCCCAACCCCGCTCTACAGTCTCAATGTGTG-3'
Protein context (NP_004177.3, residues 198-218): KGKCPYDPKL[Asp208Ala]TASALINEEL

ClinVar aggregate classification (germline): Uncertain significance (0 of 4 stars; one submission).

Conditions:
SEMA3F-related disorder. Also called: SEMA3F-related condition.

gnomAD v4.1: 1 of 1,613,716 alleles (0.000062%); highest among the groups gnomAD compares: Admixed American, 0.0017%; no homozygotes.

Submission:

PreventionGenetics, part of Exact Sciences
Classification: Uncertain significance for SEMA3F-related condition. Last evaluated: 2023-12-19. Review status: no assertion criteria provided. Collection method: clinical testing. Allele origin: germline.
Comment: The SEMA3F c.623A>C variant is predicted to result in the amino acid substitution p.Asp208Ala. To our knowledge, this variant has not been reported in the literature or in a large population database, indicating this variant is rare. At this time, the clinical significance of this variant is uncertain due to the absence of conclusive functional and genetic evidence.